The following is an entry in ClinVar:

ClinVar aggregate classification (germline): Uncertain significance (1 of 4 stars; one submission).

Allele frequency attached by ClinVar (database versions not stated): gnomAD exomes below 0.00001; TOPMed 0.00001.
gnomAD v4.1: 2 of 1,613,840 alleles (0.00012%); highest among the groups gnomAD compares: African/African-American, 0.0027%; no homozygotes.

Submission:

GeneDx
Classification: Uncertain significance. Last evaluated: 2017-02-21. Review status: criteria provided, single submitter. Criteria: GeneDx Variant Classification (06012015). Collection method: clinical testing. Allele origin: germline. Affected: yes.
Comment: The D6G variant of uncertain significance in the ACTA2 gene has not been published as pathogenic or benign to our knowledge. This variant is not observed in large population cohorts (Lek et al., 2016; 1000 Genomes Consortium et al., 2015; Exome Variant Server). Furthermore, D6G is a non-conservative amino acid substitution, which is likely to impact secondary protein structure as these residues differ in polarity, charge, size and/or other properties. This substitution also occurs at a position where only amino acids with similar properties to aspartate are tolerated across species. The majority of in silico tools predict this variant is probably damaging to the protein structure/function. Nevertheless, no missense variants in nearby residues have been reported in the Human Gene Mutation Database in association with ACTA2-related disorders (Stenson et al., 2014). Therefore, based on the currently available information, it is unclear whether this variant is pathogenic or rare benign.

NM_001613.4(ACTA2):c.17A>G (p.Asp6Gly)

Gene: ACTA2 (actin alpha 2, smooth muscle; minus strand). Cytogenetic location: 10q23.31.
Variant type: single nucleotide variant.
Coding change: c.17A>G on transcript NM_001613.4 (MANE Select); coding-DNA position 17, A replaced by G.
Protein change: p.Asp6Gly; replaces aspartic acid 6 with glycine.
Molecular consequence: missense variant.
Genome position (GRCh38, 1-based): chr10:88,948,914, T>C on the plus strand (A>G on the coding strand, the complement: ACTA2 is on the minus strand). VCF-style: chr10-88948914-T-C. GRCh37 (hg19) VCF-style: chr10-90708671-T-C.
Other names: c.17A>G, p.Asp6Gly (NM_001141945.3, NM_001320855.2, NM_001406462.1 and 7 more transcripts); short protein forms D6G.
Identifiers: ClinVar variation 423733 (VCV000423733.4), dbSNP rs1064796603, ClinGen allele CA16619079.